The following is an entry in ClinVar:

NM_014363.6(SACS):c.7354T>C (p.Leu2452=)

Gene: SACS (sacsin molecular chaperone; minus strand). Cytogenetic location: 13q12.12.
Variant type: single nucleotide variant.
Coding change: c.7354T>C on transcript NM_014363.6 (MANE Select); coding-DNA position 7354, T replaced by C.
Protein change: p.Leu2452=; no amino-acid change (leucine 2452 retained).
Molecular consequence: synonymous variant.
Genome position (GRCh38, 1-based): chr13:23,336,522, A>G on the plus strand (T>C on the coding strand, the complement: SACS is on the minus strand). VCF-style: chr13-23336522-A-G. GRCh37 (hg19) VCF-style: chr13-23910661-A-G.
Other names: c.6913T>C, p.Leu2305= (NM_001278055.2).
Identifiers: ClinVar variation 700596 (VCV000700596.12), dbSNP rs761258047, ClinGen allele CA6910919.

ClinVar aggregate classification (germline): Likely benign. Review status: criteria provided, single submitter (1 of 4 stars). 3 submissions from 3 submitters: Likely benign (1). 2 of the submissions do not count toward it. Last evaluated 2024-04-25.

Conditions:
SACS-related disorder. Also called: SACS-related condition.
Spastic paraplegia. Identifiers: MedGen C0037772, HP:0001258.
Charlevoix-Saguenay spastic ataxia (SACS). Also called: SPASTIC ATAXIA 6, AUTOSOMAL RECESSIVE; AUTOSOMAL RECESSIVE SPASTIC ATAXIA OF CHARLEVOIX-SAGUENAY; Spastic ataxia of Charlevoix-Saguenay. Identifiers: Orphanet 98, MedGen C1849140, MONDO:0010041, OMIM 270550.

Allele frequency attached by ClinVar (database versions not stated): gnomAD exomes below 0.00001 and 0.00003; gnomAD 0.00002; TOPMed 0.00002; ExAC 0.00004.
gnomAD v4.1: 24 of 1,613,780 alleles (0.0015%); highest among the groups gnomAD compares: East Asian, 0.0067%; no homozygotes.

Submissions (3):

Labcorp Genetics (formerly Invitae), Labcorp
Classification: Likely benign for Spastic paraplegia. Last evaluated: 2024-04-25. Review status: criteria provided, single submitter. Criteria: Invitae Variant Classification Sherloc (09022015). Collection method: clinical testing. Allele origin: germline.

Natera, Inc.
Classification: Likely benign for Charlevoix-Saguenay type spastic ataxia. Last evaluated: 2020-09-23. Review status: no assertion criteria provided. Collection method: clinical testing. Allele origin: germline. Not counted in ClinVar's aggregate classification.

PreventionGenetics, part of Exact Sciences
Classification: Likely benign for SACS-related condition. Last evaluated: 2019-05-23. Review status: no assertion criteria provided. Collection method: clinical testing. Allele origin: germline. Not counted in ClinVar's aggregate classification.
Comment: This variant is classified as likely benign based on ACMG/AMP sequence variant interpretation guidelines (Richards et al. 2015 PMID: 25741868, with internal and published modifications).